The following is an entry in ClinVar:

ClinVar aggregate classification (germline): Uncertain significance (1 of 4 stars; one submission).

Conditions:
Glycogen storage disease, type VI (GSD6). Also called: Glycogen storage disease type 6; Hepatic glycogen phosphorylase deficiency; HERS DISEASE; PHOSPHORYLASE DEFICIENCY GLYCOGEN-STORAGE DISEASE OF LIVER; Glycogen storage disease type 6, due to phosphorylation; GSD VI. Identifiers: Orphanet 369, MedGen C0017925, MONDO:0009294, OMIM 232700.

Submission:

Centre for Human Genetics
Classification: Uncertain significance for Glycogen storage disease, type VI. Last evaluated: 2020-08-27. Review status: criteria provided, single submitter. Criteria: ACMG Guidelines, 2015. Collection method: clinical testing. Allele origin: inherited. Inheritance: Autosomal recessive inheritance. Affected: yes. Observed: 1 variant allele.
Comment: disease causing

NM_002863.5(PYGL):c.2056G>C (p.Gly686Arg)

Gene: PYGL (glycogen phosphorylase L; minus strand). Cytogenetic location: 14q22.1.
Variant type: single nucleotide variant.
Coding change: c.2056G>C on transcript NM_002863.5 (MANE Select); coding-DNA position 2056, G replaced by C.
Protein change: p.Gly686Arg; replaces glycine 686 with arginine.
Molecular consequence: missense variant.
Genome position (GRCh38, 1-based): chr14:50,910,016, C>G on the plus strand (G>C on the coding strand, the complement: PYGL is on the minus strand). VCF-style: chr14-50910016-C-G. GRCh37 (hg19) VCF-style: chr14-51376734-C-G.
Other names: c.1954G>C, p.Gly652Arg (NM_001163940.2); short protein forms G652R, G686R.
Identifiers: ClinVar variation 998113 (VCV000998113.1), dbSNP rs2050377435, ClinGen allele CA389682467.
Genomic context (GRCh38, chr14:50,910,016, plus strand): 5'-CCCCAGCTTCTTCTGCCATTTCCACATTGGCCCCATCCATGGTCCCGATAGTTAGGGCCC[C>G]ATTTAGCATGAACTTCATATTGCCTGTCCCCGAGGCTTCGGTGCCTGCAGTGGAAATCTG-3'
Protein context (NP_002854.3, residues 676-696): GTGNMKFMLN[Gly686Arg]ALTIGTMDGA